The following is an entry in ClinVar:

NM_001267550.2(TTN):c.98595A>G (p.Glu32865=)

Genes: TTN (titin; minus strand), TTN-AS1 (TTN antisense RNA 1; plus strand). Cytogenetic location: 2q31.2.
Variant type: single nucleotide variant.
Coding change: c.98595A>G on transcript NM_001267550.2 (MANE Select); coding-DNA position 98595, A replaced by G.
Protein change: p.Glu32865=; no amino-acid change (glutamic acid 32865 retained).
Molecular consequence: synonymous variant. On other transcripts: non-coding transcript variant (1).
Genome position (GRCh38, 1-based): chr2:178,539,470, T>C on the plus strand (A>G on the coding strand, the complement: TTN is on the minus strand). VCF-style: chr2-178539470-T-C. GRCh37 (hg19) VCF-style: chr2-179404197-T-C.
Other names: p.E30297E:GAA>GAG; p.Glu30297=; c.93672A>G, p.Glu31224= (NM_001256850.1); c.90891A>G, p.Glu30297= (NM_133378.4); c.71400A>G, p.Glu23800= (NM_003319.4); c.71775A>G, p.Glu23925= (NM_133432.3); c.71976A>G, p.Glu23992= (NM_133437.4); c.98595A>G (NM_001267550.1).
Identifiers: ClinVar variation 47604 (VCV000047604.55), dbSNP rs55977045, ClinGen allele CA284174.
Genomic context (GRCh38, chr2:178,539,470, plus strand): 5'-CTCAGATTTCAAGGGTTTGCTTATGCCAAACTGGTTTTCTGCTGAAACACGGAAATGGTA[T>C]TCTACATTCTCTTTGAGGCCTTTTACCACCAGAGATGTACCTCGGACTCTGGAATCAATG-3'
Protein context (NP_001254479.2, residues 32855-32875): LVVKGLKENV[Glu32865=]YHFRVSAENQ

ClinVar aggregate classification (germline): Benign/Likely benign. Review status: criteria provided, multiple submitters, no conflicts (2 of 4 stars). 28 submissions from 21 submitters: Benign (18); Likely benign (5). 5 of the submissions do not count toward it. Last evaluated 2026-02-04.

Conditions:
Cardiovascular phenotype. Identifiers: MedGen CN230736.
Autosomal recessive limb-girdle muscular dystrophy type 2J (LGMDR10). Also called: Limb-girdle muscular dystrophy, type 2J; MUSCULAR DYSTROPHY, LIMB-GIRDLE, AUTOSOMAL RECESSIVE 10. Identifiers: Orphanet 140922, MedGen C1837342, MONDO:0012127, OMIM 608807.
Dilated cardiomyopathy 1G (CMD1G). Identifiers: Orphanet 154, MedGen C1858763, MONDO:0011400, OMIM 604145.
Cardiomyopathy (CMYO). Also called: Cardiomyopathies. Identifiers: Orphanet 167848, MedGen C0878544, MONDO:0004994, HP:0001638. Inheritance: Various modes of inheritance.
Early-onset myopathy with fatal cardiomyopathy (CMYO5). Also called: Salih Myopathy; CONGENITAL MYOPATHY 5 WITH CARDIOMYOPATHY. Identifiers: Orphanet 289377, MedGen C2673677, MONDO:0012714, OMIM 611705. Disease mechanism: loss of function.
Myopathy, myofibrillar, 9, with early respiratory failure (MFM9). Also called: EDSTROM MYOPATHY; MYOPATHY, PROXIMAL, WITH EARLY RESPIRATORY MUSCLE INVOLVEMENT; Hereditary myopathy with early respiratory failure; Myopathy, distal, with early respiratory failure, autosomal dominant. Identifiers: Orphanet 178464, Orphanet 34521, MedGen C1863599, MONDO:0011362, OMIM 603689.
Tibial muscular dystrophy (TMD). Also called: Udd Distal Myopathy – Tibial Muscular Dystrophy; UDD MYOPATHY; Tibial muscular dystrophy, tardive. Identifiers: Orphanet 609, MedGen C1838244, MONDO:0010870, OMIM 600334.

Allele frequency attached by ClinVar (database versions not stated): 1000 Genomes Project 0.00399; 1000 Genomes Project 30x 0.00406; TOPMed 0.01118; gnomAD exomes 0.01126 and 0.01498; gnomAD 0.01136 and 0.01192; ExAC 0.01165; ESP Exome Variant Server 0.01271.

Submissions (28):

Labcorp Genetics (formerly Invitae), Labcorp
Classification: Benign for Dilated cardiomyopathy 1G; Autosomal recessive limb-girdle muscular dystrophy type 2J. Last evaluated: 2026-02-04. Review status: criteria provided, single submitter. Criteria: Invitae Variant Classification Sherloc (09022015). Collection method: clinical testing. Allele origin: germline.

ARUP Laboratories, Molecular Genetics and Genomics, ARUP Laboratories
Classification: Benign. Last evaluated: 2025-07-10. Review status: criteria provided, single submitter. Criteria: ARUP Molecular Germline Variant Investigation Process 2024. Collection method: clinical testing. Allele origin: germline.

Molecular Diagnostic Laboratory for Inherited Cardiovascular Disease, Montreal Heart Institute
Classification: Benign. Last evaluated: 2025-04-09. Review status: criteria provided, single submitter. Criteria: ACMG Guidelines, 2015. Collection method: clinical testing. Allele origin: germline. Affected: no.

Blueprint Genetics
Classification: Likely benign. Last evaluated: 2024-11-26. Review status: criteria provided, single submitter. Criteria: ACMG Guidelines, 2015. Collection method: clinical testing. Allele origin: germline.

Athena Diagnostics
Classification: Benign. Last evaluated: 2024-10-22. Review status: criteria provided, single submitter. Criteria: Athena Diagnostics Criteria. Collection method: clinical testing. Allele origin: unknown.

Genome-Nilou Lab
Classification: Benign for Autosomal recessive limb-girdle muscular dystrophy type 2J. Last evaluated: 2021-09-10. Review status: criteria provided, single submitter. Criteria: ACMG Guidelines, 2015. Collection method: clinical testing. Allele origin: germline. Affected: no.

Genome-Nilou Lab
Classification: Benign for Myopathy, myofibrillar, 9, with early respiratory failure. Last evaluated: 2021-09-10. Review status: criteria provided, single submitter. Criteria: ACMG Guidelines, 2015. Collection method: clinical testing. Allele origin: germline. Affected: no.

Genome-Nilou Lab
Classification: Benign for Early-onset myopathy with fatal cardiomyopathy. Last evaluated: 2021-09-10. Review status: criteria provided, single submitter. Criteria: ACMG Guidelines, 2015. Collection method: clinical testing. Allele origin: germline. Affected: no.

Genome-Nilou Lab
Classification: Benign for Tibial muscular dystrophy. Last evaluated: 2021-09-10. Review status: criteria provided, single submitter. Criteria: ACMG Guidelines, 2015. Collection method: clinical testing. Allele origin: germline. Affected: no.

Women's Health and Genetics/Laboratory Corporation of America, LabCorp
Classification: Benign. Last evaluated: 2020-01-11. Review status: criteria provided, single submitter. Criteria: LabCorp Variant Classification Summary - May 2015. Collection method: clinical testing. Allele origin: germline.

CHEO Genetics Diagnostic Laboratory, Children's Hospital of Eastern Ontario
Classification: Benign for Cardiomyopathy. Last evaluated: 2019-06-14. Review status: criteria provided, single submitter. Criteria: ACMG Guidelines, 2015. Collection method: clinical testing. Allele origin: germline.

Mayo Clinic Laboratories, Mayo Clinic
Classification: Benign. Last evaluated: 2018-01-29. Review status: criteria provided, single submitter. Criteria: ACMG Guidelines, 2015. Collection method: clinical testing. Allele origin: germline. Observed: 62 variant alleles.

Illumina Laboratory Services, Illumina
Classification: Likely benign for Dilated cardiomyopathy 1G. Last evaluated: 2018-01-12. Review status: criteria provided, single submitter. Criteria: ICSL Variant Classification Criteria 13 December 2019. Collection method: clinical testing. Allele origin: germline.
Comment: This variant was observed in the ICSL laboratory as part of a predisposition screen in an ostensibly healthy population. It had not been previously curated by ICSL or reported in the Human Gene Mutation Database (HGMD: prior to June 1st, 2018), and was therefore a candidate for classification through an automated scoring system. Utilizing variant allele frequency, disease prevalence and penetrance estimates, and inheritance mode, an automated score was calculated to assess if this variant is too frequent to cause the disease. Based on the score and internal cut-off values, a variant classified as likely benign is not then subjected to further curation. The score for this variant resulted in a classification of likely benign for this disease.

Illumina Laboratory Services, Illumina
Classification: Likely benign for Early-onset myopathy with fatal cardiomyopathy. Last evaluated: 2018-01-12. Review status: criteria provided, single submitter. Criteria: ICSL Variant Classification Criteria 13 December 2019. Collection method: clinical testing. Allele origin: germline.
Comment: the same text as in the submission from Illumina Laboratory Services, Illumina above.

Illumina Laboratory Services, Illumina
Classification: Benign for Tibial muscular dystrophy. Last evaluated: 2018-01-12. Review status: criteria provided, single submitter. Criteria: ICSL Variant Classification Criteria 13 December 2019. Collection method: clinical testing. Allele origin: germline.
Comment: This variant was observed in the ICSL laboratory as part of a predisposition screen in an ostensibly healthy population. It had not been previously curated by ICSL or reported in the Human Gene Mutation Database (HGMD: prior to June 1st, 2018), and was therefore a candidate for classification through an automated scoring system. Utilizing variant allele frequency, disease prevalence and penetrance estimates, and inheritance mode, an automated score was calculated to assess if this variant is too frequent to cause the disease. Based on the score and internal cut-off values, a variant classified as benign is not then subjected to further curation. The score for this variant resulted in a classification of benign for this disease.

Illumina Laboratory Services, Illumina
Classification: Benign for Myopathy, myofibrillar, 9, with early respiratory failure. Last evaluated: 2018-01-12. Review status: criteria provided, single submitter. Criteria: ICSL Variant Classification Criteria 13 December 2019. Collection method: clinical testing. Allele origin: germline.
Comment: the same text as in the submission from Illumina Laboratory Services, Illumina above.

Illumina Laboratory Services, Illumina
Classification: Likely benign for Autosomal recessive limb-girdle muscular dystrophy type 2J. Last evaluated: 2018-01-12. Review status: criteria provided, single submitter. Criteria: ICSL Variant Classification Criteria 13 December 2019. Collection method: clinical testing. Allele origin: germline.
Comment: the same text as in the submission from Illumina Laboratory Services, Illumina above.

Genetic Services Laboratory, University of Chicago
Classification: Benign for AllHighlyPenetrant. Last evaluated: 2013-08-23. Review status: criteria provided, single submitter. Criteria: ACMG Guidelines, 2007. Collection method: clinical testing. Allele origin: germline.

GeneDx
Classification: Benign. Last evaluated: 2013-04-27. Review status: criteria provided, single submitter. Criteria: GeneDx Variant Classification (06012015). Collection method: clinical testing. Allele origin: germline. Affected: yes.
Comment: This variant is considered likely benign or benign based on one or more of the following criteria: it is a conservative change, it occurs at a poorly conserved position in the protein, it is predicted to be benign by multiple in silico algorithms, and/or has population frequency not consistent with disease.

Ambry Genetics
Classification: Benign for Cardiovascular phenotype. Last evaluated: 2013-03-06. Review status: criteria provided, single submitter. Criteria: Ambry Autosomal Dominant and X-Linked criteria (10/2015). Collection method: clinical testing. Allele origin: germline. Observed: 1 variant allele.

Laboratory for Molecular Medicine, Mass General Brigham Personalized Medicine
Classification: Benign. Last evaluated: 2012-01-03. Review status: criteria provided, single submitter. Criteria: LMM Criteria. Collection method: clinical testing. Allele origin: germline. Observed: 50 variant alleles.
Comment: Glu30297Glu in exon 301 of TTN: This variant is not expected to have clinical si gnificance because it does not alter an amino acid residue, is not located withi n the splice consensus sequence, and has been identified in 1.7% (115/6648) of E uropean American chromosomes and 0.5% (14/3098) of African American chromosomes from a broad, though clinically unspecified population (NHLBI Exome Sequencing P roject; rs55977045).

Breakthrough Genomics
Classification: Likely benign. Review status: criteria provided, single submitter. Criteria: ACMG Guidelines, 2015. Collection method: not provided. Allele origin: germline. Inheritance: Autosomal recessive inheritance. Affected: yes.

PreventionGenetics, part of Exact Sciences
Classification: Benign. Review status: criteria provided, single submitter. Criteria: ACMG Guidelines, 2015. Collection method: clinical testing. Allele origin: germline.

Clinical Genetics, Academic Medical Center
Classification: Benign. Review status: no assertion criteria provided. Collection method: clinical testing. Allele origin: germline. Affected: yes. Study: VKGL Data-share Consensus. Not counted in ClinVar's aggregate classification.

Diagnostic Laboratory, Department of Genetics, University Medical Center Groningen
Classification: Likely benign. Review status: no assertion criteria provided. Collection method: clinical testing. Allele origin: germline. Affected: yes. Study: VKGL Data-share Consensus. Not counted in ClinVar's aggregate classification.

Genome Diagnostics Laboratory, University Medical Center Utrecht
Classification: Benign. Review status: no assertion criteria provided. Collection method: clinical testing. Allele origin: germline. Affected: yes. Study: VKGL Data-share Consensus. Not counted in ClinVar's aggregate classification.

Joint Genome Diagnostic Labs from Nijmegen and Maastricht, Radboudumc and MUMC+
Classification: Benign. Review status: no assertion criteria provided. Collection method: clinical testing. Allele origin: germline. Affected: yes. Study: VKGL Data-share Consensus. Not counted in ClinVar's aggregate classification.

Laboratory of Diagnostic Genome Analysis, Leiden University Medical Center (LUMC)
Classification: Likely benign. Review status: no assertion criteria provided. Collection method: clinical testing. Allele origin: germline. Affected: yes. Study: VKGL Data-share Consensus. Not counted in ClinVar's aggregate classification.

Literature cited by the submitters: PubMed 37301943 (cited by Athena Diagnostics).